The following is an entry in ClinVar:

NM_012388.4(BLOC1S6):c.289T>C (p.Ser97Pro)

Gene: BLOC1S6 (biogenesis of lysosomal organelles complex 1 subunit 6; plus strand). Cytogenetic location: 15q21.1.
Variant type: single nucleotide variant.
Coding change: c.289T>C on transcript NM_012388.4 (MANE Select); coding-DNA position 289, T replaced by C.
Protein change: p.Ser97Pro; replaces serine 97 with proline.
Molecular consequence: missense variant. On other transcripts: non-coding transcript variant (6), intron variant (1).
Genome position (GRCh38, 1-based): chr15:45,603,164, T>C. VCF-style: chr15-45603164-T-C. GRCh37 (hg19) VCF-style: chr15-45895362-T-C.
Other names: c.240-2264T>C (NM_001311256.1); c.304T>C, p.Ser102Pro (NM_001311255.1); short protein forms S97P, S102P.
Identifiers: ClinVar variation 1513586 (VCV001513586.6), dbSNP rs1274935670, ClinGen allele CA392300458.
Genomic context (GRCh38, chr15:45,603,164, plus strand): 5'-AACCAAGTTGTATTGTTAGACACACTGGAACAAGAGATTTCAAAATTTAAAGAATGTCAT[T>C]CTATGTTGGATATTAATGCTTTGGTAAGTATGATTTAGTTGATGTAATTTAATGACATCT-3'
Protein context (NP_036520.1, residues 87-107): QEISKFKECH[Ser97Pro]MLDINALFAE

ClinVar aggregate classification (germline): Uncertain significance (1 of 4 stars; one submission).

Conditions:
Hermansky-Pudlak syndrome 9 (HPS9). Identifiers: Orphanet 280663, Orphanet 79430, MedGen C3280026, MONDO:0013606, OMIM 614171.

Allele frequency attached by ClinVar (database versions not stated): gnomAD exomes below 0.00001.

Submission:

Labcorp Genetics (formerly Invitae), Labcorp
Classification: Uncertain significance for Hermansky-Pudlak syndrome 9. Last evaluated: 2021-12-07. Review status: criteria provided, single submitter. Criteria: Invitae Variant Classification Sherloc (09022015). Collection method: clinical testing. Allele origin: germline.
Comment: This sequence change replaces serine, which is neutral and polar, with proline, which is neutral and non-polar, at codon 97 of the BLOC1S6 protein (p.Ser97Pro). This variant is present in population databases (no rsID available, gnomAD 0.003%). This variant has not been reported in the literature in individuals affected with BLOC1S6-related conditions. Algorithms developed to predict the effect of missense changes on protein structure and function are either unavailable or do not agree on the potential impact of this missense change (SIFT: "Deleterious"; PolyPhen-2: "Probably Damaging"; Align-GVGD: "Class C0"). In summary, the available evidence is currently insufficient to determine the role of this variant in disease. Therefore, it has been classified as a Variant of Uncertain Significance.